The following is an entry in ClinVar:

NM_015021.3(ZNF292):c.8152A>G (p.Thr2718Ala)

Gene: ZNF292 (zinc finger protein 292; plus strand). Cytogenetic location: 6q14.3.
Variant type: single nucleotide variant.
Coding change: c.8152A>G on transcript NM_015021.3 (MANE Select); coding-DNA position 8152, A replaced by G.
Protein change: p.Thr2718Ala; replaces threonine 2718 with alanine.
Molecular consequence: missense variant.
Genome position (GRCh38, 1-based): chr6:87,261,781, A>G. VCF-style: chr6-87261781-A-G. GRCh37 (hg19) VCF-style: chr6-87971499-A-G.
Other names: c.7732A>G, p.Thr2578Ala (NM_001351444.2); short protein forms T2718A, T2578A.
Identifiers: ClinVar variation 2167910 (VCV002167910.4), dbSNP rs1775618174, ClinGen allele CA364946711.

ClinVar aggregate classification (germline): Uncertain significance (1 of 4 stars; one submission).

Allele frequency attached by ClinVar (database versions not stated): TOPMed below 0.00001.

Submission:

Labcorp Genetics (formerly Invitae), Labcorp
Classification: Uncertain significance. Last evaluated: 2021-12-14. Review status: criteria provided, single submitter. Criteria: Invitae Variant Classification Sherloc (09022015). Collection method: clinical testing. Allele origin: germline.
Comment: In summary, the available evidence is currently insufficient to determine the role of this variant in disease. Therefore, it has been classified as a Variant of Uncertain Significance. Algorithms developed to predict the effect of missense changes on protein structure and function are either unavailable or do not agree on the potential impact of this missense change (SIFT: "Deleterious"; PolyPhen-2: "Benign"; Align-GVGD: "Class C0"). This variant has not been reported in the literature in individuals affected with ZNF292-related conditions. This variant is not present in population databases (gnomAD no frequency). This sequence change replaces threonine, which is neutral and polar, with alanine, which is neutral and non-polar, at codon 2718 of the ZNF292 protein (p.Thr2718Ala).